The following is an entry in ClinVar:

NM_001377405.1(ATXN7):c.89AGC[13] (p.Gln39_Pro40insGlnGlnGln)

Genes: ATXN7 (ataxin 7; plus strand), LOC108660406 (ataxin 7 repeat instability region; plus strand), LOC129936979 (ATAC-STARR-seq lymphoblastoid silent region 14501; plus strand). Cytogenetic location: 3p14.1.
Variant type: Microsatellite.
Coding change: c.89AGC[13] on transcript NM_001377405.1 (MANE Select); 13 copies in a row of the 3-base unit AGC starting at c.89; the reference has ten copies in a row; three copies, 9 bases duplicated.
Protein change: p.Gln39_Pro40insGlnGlnGln.
Genome position (GRCh38, 1-based): chr3:63,912,708-63,912,716, AGCAGCAGC duplicated; duplicating any 9 consecutive bases within chr3:63,912,685-63,912,716 gives the same sequence; the position shown is the placement nearest the transcript's 3' end. VCF-style (leftmost placement, unchanged base first): chr3-63912684-G-GGCAGCAGCA. GRCh37 (hg19) VCF-style: chr3-63898360-G-GGCAGCAGCA.
Other names: c.110_118dup9 (NM_001177387.1); c.110_118dup (NM_000333.4); c.89AGC[13], p.Gln39_Pro40insGlnGlnGln (NM_000333.4, NM_001177387.1, NM_001377406.1).
Identifiers: ClinVar variation 3033271 (VCV003033271.3), dbSNP rs193922929, ClinGen allele CA2478165.
Genomic context (GRCh38, chr3:63,912,684, plus strand): 5'-TCAGGGGGGAGCCGCGCCGCGCGGCGGCGGCGGCGGGCGGAGCAGCGGCCGCGGCCGCCC[G>GGCAGCAGCA]GCAGCAGCAGCAGCAGCAGCAGCAGCAGCAGCCGCCGCCTCCGCAGCCCCAGCGGCAGCA-3'

ClinVar aggregate classification (germline): Conflicting classifications of pathogenicity. Review status: no assertion criteria provided (0 of 4 stars). 2 submissions from 2 submitters: Uncertain significance (1); Likely benign (1). Last evaluated 2022-01-01.

Conditions:
Retinal dystrophy. Also called: Inherited retinal dystrophy. Identifiers: Orphanet 71862, MedGen C0854723, MeSH D058499, MONDO:0019118, HP:0000556.
ATXN7-related disorder. Also called: ATXN7-related condition.

Submissions (2):

Institute of Human Genetics, Univ. Regensburg, Univ. Regensburg
Classification: Uncertain significance for Retinal dystrophy. Last evaluated: 2022-01-01. Review status: no assertion criteria provided. Criteria: ACMG Guidelines, 2015. Collection method: clinical testing. Allele origin: germline. Affected: yes.

PreventionGenetics, part of Exact Sciences
Classification: Likely benign for ATXN7-related condition. Last evaluated: 2020-07-03. Review status: no assertion criteria provided. Collection method: clinical testing. Allele origin: germline.
Comment: This variant is classified as likely benign based on ACMG/AMP sequence variant interpretation guidelines (Richards et al. 2015 PMID: 25741868, with internal and published modifications).